The following is an entry in ClinVar:

ClinVar aggregate classification (germline): Uncertain significance. Review status: criteria provided, single submitter (1 of 4 stars). 2 submissions from 2 submitters: Uncertain significance (1). 1 of the submissions does not count toward it. Last evaluated 2025-04-13.

Conditions:
Fanconi anemia (FA). Also called: Fanconi's anemia. Identifiers: Orphanet 84, MedGen C0015625, MeSH D005199, MONDO:0019391.

Allele frequency attached by ClinVar (database versions not stated): gnomAD 0.00001; TOPMed 0.00002.
gnomAD v4.1: 8 of 1,613,308 alleles (0.0005%); highest among the groups gnomAD compares: East Asian, 0.011%; no homozygotes.

Submissions (2):

Labcorp Genetics (formerly Invitae), Labcorp
Classification: Uncertain significance for Fanconi anemia. Last evaluated: 2025-04-13. Review status: criteria provided, single submitter. Criteria: Invitae Variant Classification Sherloc (09022015). Collection method: clinical testing. Allele origin: germline.
Comment: This sequence change replaces leucine, which is neutral and non-polar, with valine, which is neutral and non-polar, at codon 358 of the FANCA protein (p.Leu358Val). This variant is present in population databases (rs748337423, gnomAD 0.03%). This variant has not been reported in the literature in individuals affected with FANCA-related conditions. ClinVar contains an entry for this variant (Variation ID: 408191). Invitae Evidence Modeling of protein sequence and biophysical properties (such as structural, functional, and spatial information, amino acid conservation, physicochemical variation, residue mobility, and thermodynamic stability) has been performed for this missense variant. However, the output from this modeling did not meet the statistical confidence thresholds required to predict the impact of this variant on FANCA protein function. In summary, the available evidence is currently insufficient to determine the role of this variant in disease. Therefore, it has been classified as a Variant of Uncertain Significance.

Natera, Inc.
Classification: Uncertain significance for Fanconi anemia. Last evaluated: 2019-10-28. Review status: no assertion criteria provided. Collection method: clinical testing. Allele origin: germline. Not counted in ClinVar's aggregate classification.

NM_000135.4(FANCA):c.1072C>G (p.Leu358Val)

Gene: FANCA (FA complementation group A; minus strand). Cytogenetic location: 16q24.3.
Variant type: single nucleotide variant.
Coding change: c.1072C>G on transcript NM_000135.4 (MANE Select); coding-DNA position 1072, C replaced by G.
Protein change: p.Leu358Val; replaces leucine 358 with valine.
Molecular consequence: missense variant.
Genome position (GRCh38, 1-based): chr16:89,792,482, G>C on the plus strand (C>G on the coding strand, the complement: FANCA is on the minus strand). VCF-style: chr16-89792482-G-C. GRCh37 (hg19) VCF-style: chr16-89858890-G-C.
Other names: c.1072C>G (LRG_495t1); c.1072C>G, p.Leu358Val (NM_001286167.3); short protein forms L358V.
Identifiers: ClinVar variation 408191 (VCV000408191.7), dbSNP rs748337423, ClinGen allele CA8252545.